The following is an entry in ClinVar:

ClinVar aggregate classification (germline): Pathogenic. Review status: criteria provided, single submitter (1 of 4 stars). 2 submissions from 2 submitters: Pathogenic (1). 1 of the submissions does not count toward it. Last evaluated 2024-01-26.

Conditions:
Mucolipidosis type II. Also called: Mucolipidosis 2; ML 2; Inclusion cell disease; Leroy Disease; N-acetylglucosamine 1phosphotransferase deficiency; ML disorder type 2. Identifiers: Orphanet 576, MedGen C2673377, MONDO:0009650, OMIM 252500.
Pseudo-Hurler polydystrophy. Also called: Type III Mucolipidosis; ML IIIA; Mucolipidosis III Alpha/Beta; MUCOLIPIDOSIS IIIA; ML III; ML III ALPHA/BETA. Identifiers: Orphanet 423461, Orphanet 577, MedGen C0033788, MONDO:0018931, OMIM 252600.

Allele frequency attached by ClinVar (database versions not stated): gnomAD 0.00001 and 0.00003; gnomAD exomes 0.00001; TOPMed below 0.00001; ExAC 0.00001.
gnomAD v4.1: 6 of 1,612,820 alleles (0.00037%); highest among the groups gnomAD compares: Admixed American, 0.0017%; no homozygotes.

Submissions (2):

Labcorp Genetics (formerly Invitae), Labcorp
Classification: Pathogenic for Pseudo-Hurler polydystrophy; Mucolipidosis type II. Last evaluated: 2024-01-26. Review status: criteria provided, single submitter. Criteria: Invitae Variant Classification Sherloc (09022015). Collection method: clinical testing. Allele origin: germline.
Comment: This sequence change replaces arginine, which is basic and polar, with glutamine, which is neutral and polar, at codon 334 of the GNPTAB protein (p.Arg334Gln). This variant is present in population databases (rs281864970, gnomAD 0.003%). This missense change has been observed in individuals with mucolipidosis (PMID: 19617216, 32651481). ClinVar contains an entry for this variant (Variation ID: 39018). Advanced modeling of protein sequence and biophysical properties (such as structural, functional, and spatial information, amino acid conservation, physicochemical variation, residue mobility, and thermodynamic stability) performed at Invitae indicates that this missense variant is expected to disrupt GNPTAB protein function with a positive predictive value of 80%. Experimental studies have shown that this missense change affects GNPTAB function (PMID: 25505245). This variant disrupts the p.Arg334 amino acid residue in GNPTAB. Other variant(s) that disrupt this residue have been determined to be pathogenic (PMID: 19197337, 25505245; Invitae). This suggests that this residue is clinically significant, and that variants that disrupt this residue are likely to be disease-causing. For these reasons, this variant has been classified as Pathogenic.

GeneReviews
No classification provided. Condition: Pseudo-Hurler polydystrophy. Review status: no classification provided. Collection method: literature only. Allele origin: unknown. Not counted in ClinVar's aggregate classification.

Literature cited by the submitters: PubMed 19617216 (cited by Labcorp Genetics (formerly Invitae), Labcorp and GeneReviews); PubMed 32651481 (cited by Labcorp Genetics (formerly Invitae), Labcorp); PubMed 25505245 (cited by Labcorp Genetics (formerly Invitae), Labcorp); PubMed 19197337 (cited by Labcorp Genetics (formerly Invitae), Labcorp); PubMed 20301728 (cited by GeneReviews); NCBI Bookshelf NBK1828 (cited by GeneReviews).

NM_024312.5(GNPTAB):c.1001G>A (p.Arg334Gln)

Gene: GNPTAB (N-acetylglucosamine-1-phosphate transferase subunits alpha and beta; minus strand). Cytogenetic location: 12q23.2.
Variant type: single nucleotide variant.
Coding change: c.1001G>A on transcript NM_024312.5 (MANE Select); coding-DNA position 1001, G replaced by A.
Protein change: p.Arg334Gln; replaces arginine 334 with glutamine.
Molecular consequence: missense variant.
Genome position (GRCh38, 1-based): chr12:101,770,518, C>T on the plus strand (G>A on the coding strand, the complement: GNPTAB is on the minus strand). VCF-style: chr12-101770518-C-T. GRCh37 (hg19) VCF-style: chr12-102164296-C-T.
Other names: short protein forms R334Q.
Identifiers: ClinVar variation 39018 (VCV000039018.8), dbSNP rs281864970, ClinGen allele CA343331.